The following is an entry in ClinVar:

NM_002700.3(POU4F3):c.720C>T (p.Asn240=)

Genes: POU4F3 (POU class 4 homeobox 3; plus strand), LOC127814297 (RBM27-POU4F3; plus strand). Cytogenetic location: 5q32.
Variant type: single nucleotide variant.
Coding change: c.720C>T on transcript NM_002700.3 (MANE Select); coding-DNA position 720, C replaced by T.
Protein change: p.Asn240=; no amino-acid change (asparagine 240 retained).
Molecular consequence: synonymous variant.
Genome position (GRCh38, 1-based): chr5:146,340,147, C>T. VCF-style: chr5-146340147-C-T. GRCh37 (hg19) VCF-style: chr5-145719710-C-T.
Identifiers: ClinVar variation 667154 (VCV000667154.4), dbSNP rs1581278744, ClinGen allele CA447097976.

ClinVar aggregate classification (germline): Likely benign (1 of 4 stars; one submission).

Submission:

Laboratory for Molecular Medicine, Mass General Brigham Personalized Medicine
Classification: Likely benign. Last evaluated: 2018-06-21. Review status: criteria provided, single submitter. Criteria: LMM Criteria. Collection method: clinical testing. Allele origin: germline. Observed: 1 variant allele.
Comment: p.Asn240Asn in exon 2 of POU4F3: This variant is classified as likely benign bec ause it does not alter an amino acid residue, it is not located within the splic e consensus sequence, and splice prediction algorithms do not predict a newly cr eated splice site. ACMG/AMP Criteria applied: PM2, BP4, BP7.